The following is an entry in ClinVar:

ClinVar aggregate classification (germline): Conflicting classifications of pathogenicity. Review status: criteria provided, conflicting classifications (1 of 4 stars). 2 submissions from 2 submitters: Uncertain significance (1); Likely benign (1). Last evaluated 2025-07-09.

Conditions:
Hereditary breast ovarian cancer syndrome. Also called: Hereditary breast and ovarian cancer syndrome (HBOC); Hereditary breast and ovarian cancer syndrome; Breast and ovarian cancer; Hereditary breast and/or ovarian cancer syndrome; Hereditary breast and ovarian cancer; BRCA1- and BRCA2-Associated Hereditary Breast and Ovarian Cancer. Identifiers: Orphanet 145, MedGen C0677776, MeSH D061325, MONDO:0003582. Disease mechanism: loss of function.
Hereditary cancer-predisposing syndrome. Also called: Hereditary neoplastic syndrome; Neoplastic Syndromes, Hereditary; Hereditary Cancer Syndrome; Tumor predisposition. Identifiers: Orphanet 140162, MedGen C0027672, MeSH D009386, MONDO:0015356.

Submissions (2):

Labcorp Genetics (formerly Invitae), Labcorp
Classification: Uncertain significance for Hereditary breast ovarian cancer syndrome. Last evaluated: 2025-07-09. Review status: criteria provided, single submitter. Criteria: Invitae Variant Classification Sherloc (09022015). Collection method: clinical testing. Allele origin: germline.
Comment: This sequence change replaces aspartic acid, which is acidic and polar, with alanine, which is neutral and non-polar, at codon 479 of the BRCA2 protein (p.Asp479Ala). This variant is not present in population databases (gnomAD no frequency). This variant has not been reported in the literature in individuals affected with BRCA2-related conditions. ClinVar contains an entry for this variant (Variation ID: 531212). Invitae Evidence Modeling of protein sequence and biophysical properties (such as structural, functional, and spatial information, amino acid conservation, physicochemical variation, residue mobility, and thermodynamic stability) indicates that this missense variant is not expected to disrupt BRCA2 protein function with a negative predictive value of 95%. In summary, the available evidence is currently insufficient to determine the role of this variant in disease. Therefore, it has been classified as a Variant of Uncertain Significance.

University of Washington Department of Laboratory Medicine, University of Washington
Classification: Likely benign for Hereditary cancer-predisposing syndrome. Last evaluated: 2023-03-23. Review status: criteria provided, single submitter. Criteria: Dines et al. (Genet Med. 2020). Collection method: curation. Allele origin: germline.
Comment: Missense variant in a coldspot region where missense variants are very unlikely to be pathogenic (PMID:31911673).

BRCA2 exon 10 coldspot. Reclassification based on statistical prior probability.

NM_000059.4(BRCA2):c.1436A>C (p.Asp479Ala)

Gene: BRCA2 (BRCA2 DNA repair associated; plus strand). Cytogenetic location: 13q13.1.
Variant type: single nucleotide variant.
Coding change: c.1436A>C on transcript NM_000059.4 (MANE Select); coding-DNA position 1436, A replaced by C.
Protein change: p.Asp479Ala; replaces aspartic acid 479 with alanine.
Molecular consequence: missense variant.
Genome position (GRCh38, 1-based): chr13:32,332,914, A>C. VCF-style: chr13-32332914-A-C. GRCh37 (hg19) VCF-style: chr13-32907051-A-C.
Other names: short protein forms D479A.
Identifiers: ClinVar variation 531212 (VCV000531212.8), dbSNP rs1555281910, ClinGen allele CA387764286.
Genomic context (GRCh38, chr13:32,332,914, plus strand): 5'-TAAATGAGGAAACAGTGGTAAATAAGAGAGATGAAGAGCAGCATCTTGAATCTCATACAG[A>C]CTGCATTCTTGCAGTAAAGCAGGCAATATCTGGAACTTCTCCAGTGGCTTCTTCATTTCA-3'
Protein context (NP_000050.3, residues 469-489): DEEQHLESHT[Asp479Ala]CILAVKQAIS